The following is an entry in ClinVar:

ClinVar aggregate classification (germline): Uncertain significance (1 of 4 stars; one submission).

Submission:

Women's Health and Genetics/Laboratory Corporation of America, LabCorp
Classification: Uncertain significance. Last evaluated: 2024-10-01. Review status: criteria provided, single submitter. Criteria: LabCorp Variant Classification Summary - May 2015. Collection method: clinical testing. Allele origin: germline.
Comment: Variant summary: The variant involves the duplication of exons 6-16 in the RBFOX1 gene transcript version NM_018723. The exact breakpoint at the 3' end of this variant is unknown, therefore this duplication may extend downstream of the annotated region of the gene. As it duplicates the termination codon, its effect on the encoded protein is unknown. A presumed nomenclature of c.(270+1_271-1)_(*2596_?)dup has been designated for the purposes of this classification. The variant was absent in 21684 control chromosomes (gnomAD). The available data on variant occurrences in the general population are insufficient to allow any conclusion about variant significance. To our knowledge, no occurrence of c.(270+1_271-1)_(*2596_?)dup in individuals affected with RBFOX1-Related Disorders and no experimental evidence demonstrating its impact on protein function have been reported. No submitters have cited clinical-significance assessments for this variant to ClinVar. Based on the evidence outlined above, the variant was classified as uncertain significance.

NC_000016.9:g.(7568392_7629778)_(7763343_?)dup

Gene: RBFOX1 (RNA binding fox-1 homolog 1; plus strand). Cytogenetic location: 16p13.3.
Variant type: Duplication.
Identifiers: ClinVar variation 3385028 (VCV003385028.1).